The following is an entry in ClinVar:

NM_001164277.2(SLC37A4):c.1286A>C (p.Glu429Ala)

Gene: SLC37A4 (solute carrier family 37 member 4; minus strand). Cytogenetic location: 11q23.3.
Variant type: single nucleotide variant.
Coding change: c.1286A>C on transcript NM_001164277.2 (MANE Select); coding-DNA position 1286, A replaced by C.
Protein change: p.Glu429Ala; replaces glutamic acid 429 with alanine.
Molecular consequence: missense variant.
Genome position (GRCh38, 1-based): chr11:119,024,914, T>G on the plus strand (A>C on the coding strand, the complement: SLC37A4 is on the minus strand). VCF-style: chr11-119024914-T-G. GRCh37 (hg19) VCF-style: chr11-118895624-T-G.
Other names: c.1286A>C (NM_001467.5); c.1352A>C, p.Glu451Ala (NM_001164278.2); c.1067A>C, p.Glu356Ala (NM_001164279.2); c.1286A>C, p.Glu429Ala (NM_001164280.2, NM_001467.6); short protein forms E356A, E451A, E429A.
Identifiers: ClinVar variation 652090 (VCV000652090.16), dbSNP rs149974794, ClinGen allele CA6311575.
Genomic context (GRCh38, chr11:119,024,914, plus strand): 5'-CAGAGCGTGCAGGGGGAAGGCCACCGTGGGATGGTGCTCCGGAACCTGGACTCTCTTCAC[T>G]CAGCCTTCTTGGACACTCGGCCCATCTTGGTGCGGATGTTTCGTAGGAGGAAGAAGGCAG-3'
Protein context (NP_001157749.1, residues 419-429): TKMGRVSKKA[Glu429Ala]

ClinVar aggregate classification (germline): Conflicting classifications of pathogenicity. Review status: criteria provided, conflicting classifications (1 of 4 stars). 7 submissions from 7 submitters: Uncertain significance (5); Likely benign (1). 1 of the submissions does not count toward it. Last evaluated 2026-01-26.

Conditions:
Glycogen storage disease type 1 due to SLC37A4 mutation. Also called: Glucose-6-phosphate translocase deficiency; G6P translocase deficiency. Identifiers: MedGen C2931345, MONDO:0023258.
Congenital disorder of glycosylation, type IIw. Identifiers: MedGen C5561986, MONDO:0030437, OMIM 619525.
Phosphate transport defect (GSD1C). Also called: GSD Ic; GLYCOGEN STORAGE DISEASE Ic. Identifiers: Orphanet 364, Orphanet 79259, MedGen C0342749, OMIM 232240.
Glucose-6-phosphate transport defect (GSD1B). Also called: GSD Ib; Glycogen Storage Disease Type Ib. Identifiers: Orphanet 364, Orphanet 79259, MedGen C0268146, MONDO:0009288, OMIM 232220.
Inborn genetic diseases. Identifiers: MedGen C0950123, MeSH D030342.

Allele frequency attached by ClinVar (database versions not stated): gnomAD exomes 0.00011; ExAC 0.00014; gnomAD 0.00045 and 0.00046; ESP Exome Variant Server 0.00048; TOPMed 0.00048; 1000 Genomes Project 30x 0.00062; 1000 Genomes Project 0.00080.

Submissions (7):

Labcorp Genetics (formerly Invitae), Labcorp
Classification: Likely benign for Glucose-6-phosphate transport defect. Last evaluated: 2026-01-26. Review status: criteria provided, single submitter. Criteria: Invitae Variant Classification Sherloc (09022015). Collection method: clinical testing. Allele origin: germline.

GeneDx
Classification: Uncertain significance. Last evaluated: 2025-04-30. Review status: criteria provided, single submitter. Criteria: GeneDx Variant Classification Process June 2021. Collection method: clinical testing. Allele origin: germline. Affected: yes.
Comment: In silico analysis indicates that this missense variant does not alter protein structure/function; Has not been previously published as pathogenic or benign to our knowledge

Ambry Genetics
Classification: Uncertain significance for Inborn genetic diseases. Last evaluated: 2025-03-30. Review status: criteria provided, single submitter. Criteria: Ambry Variant Classification Scheme 2023. Collection method: clinical testing. Allele origin: germline.
Comment: The p.E429A variant (also known as c.1286A>C), located in coding exon 8 of the SLC37A4 gene, results from an A to C substitution at nucleotide position 1286. The glutamic acid at codon 429 is replaced by alanine, an amino acid with dissimilar properties. This amino acid position is conserved. In addition, this alteration is predicted to be tolerated by in silico analysis. Based on the available evidence, the clinical significance of this variant remains unclear.

Fulgent Genetics
Classification: Uncertain significance for Glucose-6-phosphate transport defect; Phosphate transport defect; Congenital disorder of glycosylation, type IIw. Last evaluated: 2024-03-26. Review status: criteria provided, single submitter. Criteria: ACMG Guidelines, 2015. Collection method: clinical testing. Allele origin: germline.

Women's Health and Genetics/Laboratory Corporation of America, LabCorp
Classification: Uncertain significance. Last evaluated: 2022-06-22. Review status: criteria provided, single submitter. Criteria: LabCorp Variant Classification Summary - May 2015. Collection method: clinical testing. Allele origin: germline.
Comment: Variant summary: SLC37A4 c.1286A>C (p.Glu429Ala) results in a non-conservative amino acid change in the encoded protein sequence. Three of four in-silico tools predict a damaging effect of the variant on protein function. The variant allele was found at a frequency of 0.00014 in 279712 control chromosomes (gnomAD), predominantly at a frequency of 0.0014 within the African or African-American subpopulation in the gnomAD database. The observed variant frequency within African or African-American control individuals in the gnomAD database is not much higher than the estimated maximal expected allele frequency for a pathogenic variant in SLC37A4 causing Glycogen Storage Disease Type Ib (0.0012), allowing no conclusions about variant significance. To our knowledge, no occurrence of c.1286A>C in individuals affected with Glycogen Storage Disease Type Ib and no experimental evidence demonstrating its impact on protein function have been reported. Two ClinVar submitters have assessed the variant since 2014: both classified the variant as of uncertain significance. Based on the evidence outlined above, the variant was classified as uncertain significance.

Department of Pathology and Laboratory Medicine, Sinai Health System
Classification: Uncertain significance for glycogen storage disease type 1 due to SLC37A4 mutation. Last evaluated: 2021-07-30. Review status: criteria provided, single submitter. Criteria: ACMG Guidelines, 2015. Collection method: research. Allele origin: germline.

Natera, Inc.
Classification: Uncertain significance for Glycogen storage disease type Ib. Last evaluated: 2020-09-16. Review status: no assertion criteria provided. Collection method: clinical testing. Allele origin: germline. Not counted in ClinVar's aggregate classification.